The following is an entry in ClinVar:

NM_000051.4(ATM):c.6049dup (p.Ser2017fs)

Genes: ATM (ATM serine/threonine kinase; plus strand), C11orf65 (chromosome 11 open reading frame 65; minus strand). Cytogenetic location: 11q22.3.
Variant type: Duplication.
Coding change: c.6049dup on transcript NM_000051.4 (MANE Select); coding-DNA position 6049, one base duplicated (A; older notation c.6049dupA).
Protein change: p.Ser2017fs; shifts the reading frame from serine 2017.
Molecular consequence: frameshift variant. On other transcripts: intron variant (2).
Genome position (GRCh38, 1-based): chr11:108,315,865, A duplicated. VCF-style (leftmost placement, unchanged base first): chr11-108315864-T-TA. GRCh37 (hg19) VCF-style: chr11-108186591-T-TA.
Other names: c.6049dup, p.Ser2017fs (NM_001351834.2); c.641-6794dup (NM_001330368.2); c.*39-6794dup (NM_001351110.2); c.6049dupA (NM_000051.3); short protein forms S2017fs.
Identifiers: ClinVar variation 209134 (VCV000209134.62), dbSNP rs797045030, ClinGen allele CA276124.

ClinVar aggregate classification (germline): Pathogenic/Likely pathogenic. Review status: criteria provided, multiple submitters, no conflicts (2 of 4 stars). 7 submissions from 6 submitters: Pathogenic (6); Likely pathogenic (1). Last evaluated 2025-03-18.

Conditions:
ATM-related disorder. Also called: ATM-related disorders; ATM-related condition.
Hereditary cancer-predisposing syndrome. Also called: Hereditary Cancer Syndrome; Tumor predisposition; Neoplastic Syndromes, Hereditary; Hereditary neoplastic syndrome. Identifiers: Orphanet 140162, MedGen C0027672, MeSH D009386, MONDO:0015356.
Familial cancer of breast. Also called: hereditary breast carcinoma; BREAST CANCER, FAMILIAL; Hereditary breast cancer. Identifiers: Orphanet 227535, MedGen C0346153, MONDO:0016419, OMIM 114480. Disease mechanism: loss of function.
Ataxia-telangiectasia syndrome (AT). Also called: ATAXIA-TELANGIECTASIA, COMPLEMENTATION GROUP A; ATAXIA-TELANGIECTASIA, FRESNO VARIANT; Ataxia-telangiectasia; Ataxia-telangiectasia, complementation group E; Cerebello-oculocutaneous telangiectasia; Immunodeficiency with ataxia telangiectasia. Identifiers: Orphanet 100, MedGen C0004135, MONDO:0008840, OMIM 208900.

Allele frequency attached by ClinVar (database versions not stated): gnomAD exomes below 0.00001.

Submissions (7):

Labcorp Genetics (formerly Invitae), Labcorp
Classification: Pathogenic for Ataxia-telangiectasia syndrome. Last evaluated: 2025-03-18. Review status: criteria provided, single submitter. Criteria: Invitae Variant Classification Sherloc (09022015). Collection method: clinical testing. Allele origin: germline.
Comment: This sequence change creates a premature translational stop signal (p.Ser2017Lysfs*16) in the ATM gene. It is expected to result in an absent or disrupted protein product. Loss-of-function variants in ATM are known to be pathogenic (PMID: 23807571, 25614872). This variant is not present in population databases (gnomAD no frequency). This variant has not been reported in the literature in individuals affected with ATM-related conditions. ClinVar contains an entry for this variant (Variation ID: 209134). For these reasons, this variant has been classified as Pathogenic.

Ambry Genetics
Classification: Pathogenic for Hereditary cancer-predisposing syndrome. Last evaluated: 2024-11-22. Review status: criteria provided, single submitter. Criteria: Ambry Variant Classification Scheme 2023. Collection method: clinical testing. Allele origin: germline.
Comment: The c.6049dupA pathogenic mutation, located in coding exon 40 of the ATM gene, results from a duplication of A at nucleotide position 6049, causing a translational frameshift with a predicted alternate stop codon (p.S2017Kfs*16). This variant is considered to be rare based on population cohorts in the Genome Aggregation Database (gnomAD). This alteration is expected to result in loss of function by premature protein truncation or nonsense-mediated mRNA decay. As such, this alteration is interpreted as a disease-causing mutation.

Blueprint Genetics
Classification: Likely pathogenic for ATM-related disorders. Last evaluated: 2024-10-29. Review status: criteria provided, single submitter. Criteria: ACMG Guidelines, 2015. Collection method: clinical testing. Allele origin: germline. Affected: yes. Observed: 2 variant alleles.

Baylor Genetics
Classification: Pathogenic for Familial cancer of breast. Last evaluated: 2024-02-26. Review status: criteria provided, single submitter. Criteria: ACMG Guidelines, 2015. Collection method: clinical testing. Allele origin: unknown.

Myriad Genetics, Inc.
Classification: Pathogenic for Familial cancer of breast. Last evaluated: 2024-01-29. Review status: criteria provided, single submitter. Criteria: Myriad Autosomal Dominant, Autosomal Recessive and X-Linked Classification Criteria (2023). Collection method: clinical testing. Allele origin: unknown.
Comment: This variant is considered pathogenic. This variant creates a frameshift predicted to result in premature protein truncation.

Color Diagnostics, LLC DBA Color Health
Classification: Pathogenic for Hereditary cancer-predisposing syndrome. Last evaluated: 2020-01-15. Review status: criteria provided, single submitter. Criteria: ACMG Guidelines, 2015. Collection method: clinical testing. Allele origin: germline.
Comment: This variant inserts 1 nucleotide in exon 41 of the ATM gene, creating a frameshift and premature translation stop signal. This variant is expected to result in an absent or non-functional protein product. This variant has not been identified in the general population by the Genome Aggregation Database (gnomAD). Loss of ATM function is a known mechanism of disease. Based on the available evidence, this variant is classified as Pathogenic.

Baylor Genetics
Classification: Pathogenic for Ataxia-telangiectasia syndrome. Last evaluated: 2014-09-22. Review status: criteria provided, single submitter. Criteria: Yang et al. 2013. Collection method: clinical testing. Allele origin: maternal. Inheritance: Autosomal recessive inheritance. Affected: yes. Observed: 1 variant allele, 1 compound heterozygote. Study: Adult_WES.

Literature cited by the submitters: PubMed 23807571 (cited by Labcorp Genetics (formerly Invitae), Labcorp); PubMed 25614872 (cited by Labcorp Genetics (formerly Invitae), Labcorp); PubMed 26633545 (cited by Baylor Genetics).